The following is an entry in ClinVar:

NM_001009944.3(PKD1):c.4755_4756del (p.Cys1585_Asp1586delinsTer)

Gene: PKD1 (polycystin 1, transient receptor potential channel interacting; minus strand). Cytogenetic location: 16p13.3.
Variant type: Microsatellite.
Coding change: c.4755_4756del on transcript NM_001009944.3 (MANE Select); coding-DNA positions 4755 to 4756, 2 bases deleted (TG; older notation c.4755_4756delTG).
Protein change: p.Cys1585_Asp1586delinsTer.
Molecular consequence: nonsense. On other transcripts: frameshift variant (1).
Genome position (GRCh38, 1-based): chr16:2,110,411-2,110,412, CA deleted on the plus strand (TG on the coding strand, the reverse complement: PKD1 is on the minus strand); deleting any 2 consecutive bases within chr16:2,110,411-2,110,414 gives the same sequence; the c. name uses the placement nearest the transcript's 3' end. VCF-style (leftmost placement, unchanged base first): chr16-2110410-TCA-T. GRCh37 (hg19) VCF-style: chr16-2160411-TCA-T.
Other names: c.4755_4756del, p.Cys1585_Asp1586delinsTer (NM_000296.4); c.4753_4754TG[1], p.Cys1585Terfs (NM_001009944.2); c.4755_4756delTG (NM_001009944.2).
Identifiers: ClinVar variation 3764789 (VCV003764789.3).

ClinVar aggregate classification (germline): Pathogenic. Review status: criteria provided, multiple submitters, no conflicts (2 of 4 stars). 3 submissions from 3 submitters: Pathogenic (3). Last evaluated 2025-01-28.

Conditions:
PKD1-related disorder. Also called: PKD1-related condition.
Polycystic kidney disease, adult type (PKD1). Also called: Polycystic Kidney Disease 1, Autosomal Dominant; Polycystic kidney disease 1; Polycystic kidney disease 1, severe; POLYCYSTIC KIDNEY DISEASE 1 WITH OR WITHOUT POLYCYSTIC LIVER DISEASE; Polycystic Kidney, Autosomal Dominant; POLYCYSTIC KIDNEY DISEASE, ADULT, TYPE I. Identifiers: MedGen C3149841, MONDO:0008263, OMIM 173900.

Submissions (3):

MVZ Medizinische Genetik Mainz
Classification: Pathogenic for Polycystic kidney disease, adult type. Last evaluated: 2025-01-28. Review status: criteria provided, single submitter. Criteria: UK Practice Guidelines For Variant Classification V4 01 2020. Collection method: clinical testing. Allele origin: germline. Inheritance: Autosomal dominant inheritance. Affected: yes. Observed: 1 variant allele.
Comment: ACMG Criteria: PVS1,PS1_SUP,PM2_SUP

PreventionGenetics, part of Exact Sciences
Classification: Pathogenic for PKD1-related condition. Last evaluated: 2024-11-01. Review status: criteria provided, single submitter. Criteria: ACMG Guidelines, 2015. Collection method: clinical testing. Allele origin: germline.
Comment: The PKD1 c.4755_4756delTG variant is predicted to result in premature protein termination (p.Cys1585*). This variant has been reported in an individual with autosomal dominant polycystic kidney disease (ADPKD) (Supplementary Table S8, Ma et al. 2024. PubMed ID: 38521406). This variant has not been reported in a large population database (gnomAD), indicating this variant is rare. Nonsense variants in PKD1 are expected to be pathogenic. This variant is interpreted as pathogenic.

Blueprint Genetics
Classification: Pathogenic for PKD1-related disorders. Last evaluated: 2020-08-25. Review status: criteria provided, single submitter. Criteria: ACMG Guidelines, 2015. Collection method: clinical testing. Allele origin: germline. Affected: yes. Observed: 1 variant allele.